The following is an entry in ClinVar:

ClinVar aggregate classification (germline): Uncertain significance (1 of 4 stars; one submission).

Conditions:
Fanconi anemia complementation group J. Also called: BRIP1-Related Fanconi Anemia. Identifiers: Orphanet 84, MedGen C1836860, MONDO:0012187, OMIM 609054.
Familial cancer of breast. Also called: BREAST CANCER, FAMILIAL; Hereditary breast cancer; hereditary breast carcinoma. Identifiers: Orphanet 227535, MedGen C0346153, MONDO:0016419, OMIM 114480. Disease mechanism: loss of function.

Submission:

Labcorp Genetics (formerly Invitae), Labcorp
Classification: Uncertain significance for Familial cancer of breast; Fanconi anemia complementation group J. Last evaluated: 2025-02-03. Review status: criteria provided, single submitter. Criteria: Invitae Variant Classification Sherloc (09022015). Collection method: clinical testing. Allele origin: germline.
Comment: This sequence change falls in intron 15 of the BRIP1 gene. It does not directly change the encoded amino acid sequence of the BRIP1 protein. This variant is not present in population databases (gnomAD no frequency). This variant has not been reported in the literature in individuals affected with BRIP1-related conditions. Algorithms developed to predict the effect of sequence changes on RNA splicing suggest that this variant may disrupt the consensus splice site. In summary, the available evidence is currently insufficient to determine the role of this variant in disease. Therefore, it has been classified as a Variant of Uncertain Significance.

NM_032043.3(BRIP1):c.2258-11T>A

Gene: BRIP1 (BRCA1 interacting DNA helicase 1; minus strand). Cytogenetic location: 17q23.2.
Variant type: single nucleotide variant.
Coding change: c.2258-11T>A on transcript NM_032043.3 (MANE Select); 11 bases into the intron before coding-DNA position 2258, T replaced by A.
Molecular consequence: intron variant.
Genome position (GRCh38, 1-based): chr17:61,743,145, A>T on the plus strand (T>A on the coding strand, the complement: BRIP1 is on the minus strand). VCF-style: chr17-61743145-A-T. GRCh37 (hg19) VCF-style: chr17-59820506-A-T.
Identifiers: ClinVar variation 3760858 (VCV003760858.2).